The following is an entry in ClinVar:

ClinVar aggregate classification (germline): Uncertain significance. Review status: criteria provided, single submitter (1 of 4 stars). 2 submissions from 2 submitters: Uncertain significance (1). 1 of the submissions does not count toward it. Last evaluated 2024-06-17.

Conditions:
ANKRD31-related disorder. Also called: ANKRD31-related condition.

Allele frequency attached by ClinVar (database versions not stated): ExAC 0.00083; 1000 Genomes Project 30x 0.00094; 1000 Genomes Project 0.00100; gnomAD 0.00121; TOPMed 0.00143; ESP Exome Variant Server 0.00153; gnomAD exomes 0.00171.
gnomAD v4.1: 2,541 of 1,536,048 alleles (0.17%); highest among the groups gnomAD compares: Admixed American, 0.25%; 7 homozygotes.

Submissions (2):

Ambry Genetics
Classification: Uncertain significance. Last evaluated: 2024-06-17. Review status: criteria provided, single submitter. Criteria: Ambry Variant Classification Scheme 2023. Collection method: clinical testing. Allele origin: germline.

PreventionGenetics, part of Exact Sciences
Classification: Likely benign for ANKRD31-related condition. Last evaluated: 2022-07-11. Review status: no assertion criteria provided. Collection method: clinical testing. Allele origin: germline. Not counted in ClinVar's aggregate classification.
Comment: This variant is classified as likely benign based on ACMG/AMP sequence variant interpretation guidelines (Richards et al. 2015 PMID: 25741868, with internal and published modifications).

NM_001372053.1(ANKRD31):c.1694A>G (p.Asn565Ser)

Gene: ANKRD31 (ankyrin repeat domain 31; minus strand). Cytogenetic location: 5q13.3.
Variant type: single nucleotide variant.
Coding change: c.1694A>G on transcript NM_001372053.1 (MANE Select); coding-DNA position 1694, A replaced by G.
Protein change: p.Asn565Ser; replaces asparagine 565 with serine.
Molecular consequence: missense variant.
Genome position (GRCh38, 1-based): chr5:75,168,992, T>C on the plus strand (A>G on the coding strand, the complement: ANKRD31 is on the minus strand). VCF-style: chr5-75168992-T-C. GRCh37 (hg19) VCF-style: chr5-74464817-T-C.
Other names: c.1694A>G, p.Asn565Ser (NM_001164443.1); short protein forms N565S.
Identifiers: ClinVar variation 2343105 (VCV002343105.5), dbSNP rs185433612, ClinGen allele CA3308183.